The following is an entry in ClinVar:

ClinVar aggregate classification (germline): Pathogenic/Likely pathogenic. Review status: criteria provided, multiple submitters, no conflicts (2 of 4 stars). 3 submissions from 3 submitters: Pathogenic (2); Likely pathogenic (1). Last evaluated 2025-04-07.

Conditions:
ABCC6-related disorder. Also called: ABCC6-related condition.
Autosomal recessive inherited pseudoxanthoma elasticum (PXE). Identifiers: Orphanet 758, MedGen CN032334, MONDO:0009925, OMIM 264800.

gnomAD v4.1: 2 of 1,614,172 alleles (0.00012%); highest among the groups gnomAD compares: Non-Finnish European, 0.00017%; no homozygotes.

Submissions (3):

Labcorp Genetics (formerly Invitae), Labcorp
Classification: Pathogenic. Last evaluated: 2025-04-07. Review status: criteria provided, single submitter. Criteria: Invitae Variant Classification Sherloc (09022015). Collection method: clinical testing. Allele origin: germline.
Comment: This sequence change creates a premature translational stop signal (p.Gln581*) in the ABCC6 gene. It is expected to result in an absent or disrupted protein product. Loss-of-function variants in ABCC6 are known to be pathogenic (PMID: 11536079, 17617515). This variant is not present in population databases (gnomAD no frequency). This variant has not been reported in the literature in individuals affected with ABCC6-related conditions. For these reasons, this variant has been classified as Pathogenic.

Blueprint Genetics
Classification: Pathogenic for ABCC6-related disorders. Last evaluated: 2024-04-11. Review status: criteria provided, single submitter. Criteria: ACMG Guidelines, 2015. Collection method: clinical testing. Allele origin: germline. Affected: yes. Observed: 1 variant allele.

Department of Pathology and Laboratory Medicine, Sinai Health System
Classification: Likely pathogenic for autosomal recessive inherited pseudoxanthoma elasticum. Last evaluated: 2022-06-23. Review status: criteria provided, single submitter. Criteria: ACMG Guidelines, 2015. Collection method: research. Allele origin: germline.

Literature cited by the submitters: PubMed 11536079 (cited by Labcorp Genetics (formerly Invitae), Labcorp); PubMed 17617515 (cited by Labcorp Genetics (formerly Invitae), Labcorp).

NM_001171.6(ABCC6):c.1741C>T (p.Gln581Ter)

Gene: ABCC6 (ATP binding cassette subfamily C member 6; minus strand). Cytogenetic location: 16p13.11.
Variant type: single nucleotide variant.
Coding change: c.1741C>T on transcript NM_001171.6 (MANE Select); coding-DNA position 1741, C replaced by T.
Protein change: p.Gln581Ter; replaces glutamine 581 with a stop codon.
Molecular consequence: nonsense. On other transcripts: non-coding transcript variant (1).
Genome position (GRCh38, 1-based): chr16:16,188,869, G>A on the plus strand (C>T on the coding strand, the complement: ABCC6 is on the minus strand). VCF-style: chr16-16188869-G-A. GRCh37 (hg19) VCF-style: chr16-16282726-G-A.
Other names: c.1399C>T, p.Gln467Ter (NM_001351800.1); short protein forms Q467*, Q581*.
Identifiers: ClinVar variation 3780487 (VCV003780487.3).